The following is an entry in ClinVar:

ClinVar aggregate classification (germline): Likely benign (1 of 4 stars; one submission).

Submission:

CeGaT Center for Human Genetics Tuebingen
Classification: Likely benign. Last evaluated: 2026-03-01. Review status: criteria provided, single submitter. Criteria: CeGaT Center For Human Genetics Tuebingen Variant Classification Criteria Version 2. Collection method: clinical testing. Allele origin: germline. Affected: yes. Observed: 1 variant allele.
Comment: USP17L10: BP4, BP7

NM_001256852.1(USP17L10):c.660C>T (p.Tyr220=)

Gene: USP17L10 (ubiquitin specific peptidase 17 like family member 10; plus strand). Cytogenetic location: 4p16.1.
Variant type: single nucleotide variant.
Coding change: c.660C>T on transcript NM_001256852.1 (MANE Select); coding-DNA position 660, C replaced by T.
Protein change: p.Tyr220=; no amino-acid change (tyrosine 220 retained).
Molecular consequence: synonymous variant.
Genome position (GRCh38, 1-based): chr4:9,211,316, C>T. VCF-style: chr4-9211316-C-T. GRCh37 (hg19) VCF-style: chr4-9213042-C-T.
Identifiers: ClinVar variation 4821286 (VCV004821286.4).
Genomic context (GRCh38, chr4:9,211,316, plus strand): 5'-CTGGAGATCTCAAATCAAGTGTCTCCACTGCCACGGCATTTCAGACACTTTTGACCCTTA[C>T]CTGGACATCGCCCTGGATATCCAGGCAGCTCAGAGTGTCCAGCAAGCTTTGGAACAGTTG-3'
Protein context (NP_001243781.1, residues 210-230): CHGISDTFDP[Tyr220=]LDIALDIQAA